The following is an entry in ClinVar:

ClinVar aggregate classification (germline): Uncertain significance (1 of 4 stars; one submission).

Conditions:
Tuberous sclerosis 2 (TSC2). Identifiers: Orphanet 805, MedGen C1860707, MONDO:0013199, OMIM 613254.

Submission:

Labcorp Genetics (formerly Invitae), Labcorp
Classification: Uncertain significance for Tuberous sclerosis 2. Last evaluated: 2024-11-11. Review status: criteria provided, single submitter. Criteria: Invitae Variant Classification Sherloc (09022015). Collection method: clinical testing. Allele origin: germline.
Comment: This sequence change replaces glutamine, which is neutral and polar, with proline, which is neutral and non-polar, at codon 443 of the TSC2 protein (p.Gln443Pro). This variant is not present in population databases (gnomAD no frequency). This variant has not been reported in the literature in individuals affected with TSC2-related conditions. Invitae Evidence Modeling of protein sequence and biophysical properties (such as structural, functional, and spatial information, amino acid conservation, physicochemical variation, residue mobility, and thermodynamic stability) indicates that this missense variant is not expected to disrupt TSC2 protein function with a negative predictive value of 95%. In summary, the available evidence is currently insufficient to determine the role of this variant in disease. Therefore, it has been classified as a Variant of Uncertain Significance.

NM_000548.5(TSC2):c.1328A>C (p.Gln443Pro)

Gene: TSC2 (TSC complex subunit 2; plus strand). Cytogenetic location: 16p13.3.
Variant type: single nucleotide variant.
Coding change: c.1328A>C on transcript NM_000548.5 (MANE Select); coding-DNA position 1328, A replaced by C.
Protein change: p.Gln443Pro; replaces glutamine 443 with proline.
Molecular consequence: missense variant. On other transcripts: 5 prime UTR variant (10), non-coding transcript variant (5).
Genome position (GRCh38, 1-based): chr16:2,062,567, A>C. VCF-style: chr16-2062567-A-C. GRCh37 (hg19) VCF-style: chr16-2112568-A-C.
Other names: c.1181A>C, p.Gln394Pro (NM_001406679.1, NM_001406675.1, NM_001406676.1 and 1 more transcripts); c.728A>C, p.Gln243Pro (NM_001406680.1, NM_001406682.1, NM_001406683.1 and 6 more transcripts); c.866A>C, p.Gln289Pro (NM_001406681.1); c.-17A>C (NM_001406689.1, NM_001406690.1, NM_001406691.1 and 6 more transcripts); c.-193A>C (NM_001406698.1); c.1328A>C, p.Gln443Pro (NM_021055.3, NM_001406665.1, NM_001077183.3 and 6 more transcripts); c.1418A>C, p.Gln473Pro (NM_001406667.1, NM_001406668.1); c.1217A>C, p.Gln406Pro (NM_001406670.1, NM_001406678.1, NM_001318827.2); and 3 more; short protein forms Q443P, Q394P, Q439P, Q406P, Q454P, Q473P, Q243P, Q289P.
Identifiers: ClinVar variation 3683281 (VCV003683281.2).
Genomic context (GRCh38, chr16:2,062,567, plus strand): 5'-TCCTGAACCTGATCTCCTATAGAGCGCAGTCCATCCACCCGGCCAAGGACGGCTGGATTC[A>C]GAACCTGCAGGCGCTGATGGAGAGATTCTTCAGGTAGGGGGTCCTCTGTAGCCTTGCCTG-3'
Protein context (NP_000539.2, residues 433-453): SIHPAKDGWI[Gln443Pro]NLQALMERFF